The following is an entry in ClinVar:

ClinVar aggregate classification (germline): Likely benign. Review status: criteria provided, multiple submitters, no conflicts (2 of 4 stars). 3 submissions from 3 submitters: Likely benign (3). Last evaluated 2025-08-01.

Conditions:
Androgen resistance syndrome (AIS). Also called: DIHYDROTESTOSTERONE RECEPTOR DEFICIENCY; Androgen insensitivity syndrome due to coactivator deficiency; Androgen insensitivity; ANDROGEN RECEPTOR DEFICIENCY; Androgen insensitivity, complete; TESTICULAR FEMINIZATION SYNDROME. Identifiers: Orphanet 754, Orphanet 99429, MedGen C0039585, MONDO:0019154, OMIM 300068. Disease mechanism: loss of function.
Kennedy disease (SMAX1). Also called: KENNEDY SPINAL AND BULBAR MUSCULAR ATROPHY; SPINAL AND BULBAR MUSCULAR ATROPHY, X-LINKED 1; Spinal and Bulbar Muscular Atrophy. Identifiers: Orphanet 481, MedGen C1839259, MONDO:0010735, OMIM 313200.

Allele frequency attached by ClinVar (database versions not stated): gnomAD 0.00002.

Submissions (3):

CeGaT Center for Human Genetics Tuebingen
Classification: Likely benign. Last evaluated: 2025-08-01. Review status: criteria provided, single submitter. Criteria: CeGaT Center For Human Genetics Tuebingen Variant Classification Criteria Version 2. Collection method: clinical testing. Allele origin: germline. Affected: yes. Observed: 1 variant allele.
Comment: AR: BP4, BP7

Labcorp Genetics (formerly Invitae), Labcorp
Classification: Likely benign for Kennedy disease; Androgen resistance syndrome. Last evaluated: 2023-06-29. Review status: criteria provided, single submitter. Criteria: Invitae Variant Classification Sherloc (09022015). Collection method: clinical testing. Allele origin: germline.

Blueprint Genetics
Classification: Likely benign. Last evaluated: 2022-09-09. Review status: criteria provided, single submitter. Criteria: ACMG Guidelines, 2015. Collection method: clinical testing. Allele origin: germline.

NM_000044.6(AR):c.1401C>T (p.Gly467=)

Gene: AR (androgen receptor; plus strand). Cytogenetic location: Xq12.
Variant type: single nucleotide variant.
Coding change: c.1401C>T on transcript NM_000044.6 (MANE Select); coding-DNA position 1401, C replaced by T.
Protein change: p.Gly467=; no amino-acid change (glycine 467 retained).
Molecular consequence: synonymous variant. On other transcripts: 5 prime UTR variant (1).
Genome position (GRCh38, 1-based): chrX:67,546,547, C>T. VCF-style: chrX-67546547-C-T. GRCh37 (hg19) VCF-style: chrX-66766389-C-T.
Other names: c.-383C>T (NM_001011645.3); c.1401C>T, p.Gly467= (NM_001348061.1, NM_001348063.1, NM_001348064.1 and 1 more transcripts).
Identifiers: ClinVar variation 2940164 (VCV002940164.12), dbSNP rs767390578, ClinGen allele CA517048902.